The following is an entry in ClinVar:

NM_000057.4(BLM):c.3364A>C (p.Lys1122Gln)

Gene: BLM (BLM RecQ like helicase; plus strand). Cytogenetic location: 15q26.1.
Variant type: single nucleotide variant.
Coding change: c.3364A>C on transcript NM_000057.4 (MANE Select); coding-DNA position 3364, A replaced by C.
Protein change: p.Lys1122Gln; replaces lysine 1122 with glutamine.
Molecular consequence: missense variant. On other transcripts: intron variant (1).
Genome position (GRCh38, 1-based): chr15:90,803,526, A>C. VCF-style: chr15-90803526-A-C. GRCh37 (hg19) VCF-style: chr15-91346756-A-C.
Other names: c.3364A>C, p.Lys1122Gln (NM_001287246.2); c.2239A>C, p.Lys747Gln (NM_001287248.2); c.3358+5189A>C (NM_001287247.2); short protein forms K1122Q, K747Q.
Identifiers: ClinVar variation 4211783 (VCV004211783.1).

ClinVar aggregate classification (germline): Uncertain significance (1 of 4 stars; one submission).

Conditions:
Hereditary cancer-predisposing syndrome. Also called: Neoplastic Syndromes, Hereditary; Tumor predisposition; Hereditary Cancer Syndrome; Hereditary neoplastic syndrome. Identifiers: Orphanet 140162, MedGen C0027672, MeSH D009386, MONDO:0015356.

Submission:

Ambry Genetics
Classification: Uncertain significance for Hereditary cancer-predisposing syndrome. Last evaluated: 2025-07-17. Review status: criteria provided, single submitter. Criteria: Ambry Variant Classification Scheme 2023. Collection method: clinical testing. Allele origin: germline.
Comment: The p.K1122Q variant (also known as c.3364A>C), located in coding exon 17 of the BLM gene, results from an A to C substitution at nucleotide position 3364. The lysine at codon 1122 is replaced by glutamine, an amino acid with similar properties. This amino acid position is conserved. In addition, the in silico prediction for this alteration is inconclusive. Based on the available evidence, the clinical significance of this variant remains unclear.